The following is an entry in ClinVar:

ClinVar aggregate classification (germline): Conflicting classifications of pathogenicity. Review status: criteria provided, conflicting classifications (1 of 4 stars). 2 submissions from 2 submitters: Uncertain significance (1); Likely benign (1). Last evaluated 2026-04-07.

Conditions:
Primary ciliary dyskinesia. Also called: Ciliary dyskinesia. Identifiers: Orphanet 244, MedGen C0008780, MONDO:0016575, HP:0012265.
RPGR-related disorder. Also called: RPGR-related condition.

Submissions (2):

PreventionGenetics, part of Exact Sciences
Classification: Likely benign for RPGR-related condition. Last evaluated: 2026-04-07. Review status: criteria provided, single submitter. Criteria: ACMG Guidelines, 2015. Collection method: clinical testing. Allele origin: germline.
Comment: This variant is classified as likely benign based on ACMG/AMP sequence variant interpretation guidelines (Richards et al. 2015 PMID: 25741868, with internal and published modifications).

Labcorp Genetics (formerly Invitae), Labcorp
Classification: Uncertain significance for Primary ciliary dyskinesia. Last evaluated: 2022-07-04. Review status: criteria provided, single submitter. Criteria: Invitae Variant Classification Sherloc (09022015). Collection method: clinical testing. Allele origin: germline.
Comment: In summary, the available evidence is currently insufficient to determine the role of this variant in disease. Therefore, it has been classified as a Variant of Uncertain Significance. Experimental studies and prediction algorithms are not available or were not evaluated, and the functional significance of this variant is currently unknown. This variant has not been reported in the literature in individuals affected with RPGR (ORF15)-related conditions. The frequency data for this variant in the population databases is considered unreliable, as metrics indicate insufficient coverage at this position in the gnomAD database. This variant, c.2586_2594del, results in the deletion of 3 amino acid(s) of the RPGR (ORF15) protein (p.Glu864_Glu866del), but otherwise preserves the integrity of the reading frame.

NM_001034853.2(RPGR):c.2577GGAAGAAGG[1] (p.861EGE[1])

Gene: RPGR (retinitis pigmentosa GTPase regulator; minus strand). Cytogenetic location: Xp11.4.
Variant type: Microsatellite.
Coding change: c.2577GGAAGAAGG[1] on transcript NM_001034853.2 (MANE Select); one copy of the 9-base unit GGAAGAAGG starting at c.2577; the reference has two copies in a row; one copy, 9 bases deleted.
Protein change: p.861EGE[1].
Molecular consequence: inframe deletion. On other transcripts: intron variant (8).
Genome position (GRCh38, 1-based): chrX:38,286,405-38,286,413, CCTTCTTCC deleted on the plus strand (GGAAGAAGG on the coding strand, the reverse complement: RPGR is on the minus strand); deleting any 9 consecutive bases within chrX:38,286,405-38,286,422 gives the same sequence; the position shown is the placement nearest the transcript's 3' end. VCF-style (leftmost placement, unchanged base first): chrX-38286404-TCCTTCTTCC-T. GRCh37 (hg19) VCF-style: chrX-38145657-TCCTTCTTCC-T.
Other names: c.1569+4546_1569+4554del (NM_001367249.1, NM_001367250.1); c.1902+681_1902+689del (NM_001367245.1); c.1386+4546_1386+4554del (NM_001367251.1); c.1719+681_1719+689del (NM_001367246.1); c.1572+4546_1572+4554del (NM_001367247.1); c.1905+681_1905+689del (NM_000328.3); c.1602+4546_1602+4554del (NM_001367248.1); c.2586_2594del9 (NM_001034853.1).
Identifiers: ClinVar variation 1966027 (VCV001966027.6), dbSNP rs1942516036, ClinGen allele CA2424844680.